The following is an entry in ClinVar:

NM_015602.4(TOR1AIP1):c.553+1G>A

Gene: TOR1AIP1 (torsin 1A interacting protein 1; plus strand). Cytogenetic location: 1q25.2.
Variant type: single nucleotide variant.
Coding change: c.553+1G>A on transcript NM_015602.4 (MANE Select); the canonical splice donor site of the intron after coding-DNA position 553, G replaced by A.
Molecular consequence: splice donor variant.
Genome position (GRCh38, 1-based): chr1:179,884,770, G>A. VCF-style: chr1-179884770-G-A. GRCh37 (hg19) VCF-style: chr1-179853905-G-A.
Other names: c.553+1G>A (NM_001267578.2).
Identifiers: ClinVar variation 644515 (VCV000644515.6), dbSNP rs1180978840, ClinGen allele CA343579495.

ClinVar aggregate classification (germline): Likely pathogenic (1 of 4 stars; one submission).

Conditions:
Autosomal recessive limb-girdle muscular dystrophy type 2Y (MRRSDC). Also called: Muscular dystrophy, limb-girdle, type 2y; Muscular dystrophy, autosomal recessive, with rigid spine and distal joint contractures. Identifiers: Orphanet 424261, MedGen C4511482, MONDO:0014900, OMIM 617072.

Submission:

Labcorp Genetics (formerly Invitae), Labcorp
Classification: Likely pathogenic for Autosomal recessive limb-girdle muscular dystrophy type 2Y. Last evaluated: 2018-07-10. Review status: criteria provided, single submitter. Criteria: Invitae Variant Classification Sherloc (09022015). Collection method: clinical testing. Allele origin: germline.
Comment: Algorithms developed to predict the effect of sequence changes on RNA splicing suggest that this variant may disrupt the consensus splice site, but this prediction has not been confirmed by published transcriptional studies. This variant has not been reported in the literature in individuals with TOR1AIP1-related disease. This variant is not present in population databases (ExAC no frequency). This sequence change affects a donor splice site in intron 2 of the TOR1AIP1 gene. It is expected to disrupt RNA splicing and likely results in an absent or disrupted protein product. Donor and acceptor splice site variants typically lead to a loss of protein function (PMID: 16199547), and loss-of-function variants in TOR1AIP1 are known to be pathogenic (PMID: 4856141, 27342937). In summary, the currently available evidence indicates that the variant is pathogenic, but additional data are needed to prove that conclusively. Therefore, this variant has been classified as Likely Pathogenic.

Literature cited by the submitters: PubMed 16199547; PubMed 4856141; PubMed 27342937.